The following is an entry in ClinVar:

NM_000094.4(COL7A1):c.8684G>C (p.Arg2895Pro)

Gene: COL7A1 (collagen type VII alpha 1 chain; minus strand). Cytogenetic location: 3p21.31.
Variant type: single nucleotide variant.
Coding change: c.8684G>C on transcript NM_000094.4 (MANE Select); coding-DNA position 8684, G replaced by C.
Protein change: p.Arg2895Pro; replaces arginine 2895 with proline.
Molecular consequence: missense variant.
Genome position (GRCh38, 1-based): chr3:48,564,917, C>G on the plus strand (G>C on the coding strand, the complement: COL7A1 is on the minus strand). VCF-style: chr3-48564917-C-G. GRCh37 (hg19) VCF-style: chr3-48602350-C-G.
Other names: short protein forms R2895P.
Identifiers: ClinVar variation 1481543 (VCV001481543.6), dbSNP rs147911102, ClinGen allele CA352633287.

ClinVar aggregate classification (germline): Uncertain significance (1 of 4 stars; one submission).

gnomAD v4.1: 2 of 1,614,192 alleles (0.00012%); highest among the groups gnomAD compares: Non-Finnish European, 0.00017%; no homozygotes.

Submission:

Labcorp Genetics (formerly Invitae), Labcorp
Classification: Uncertain significance. Last evaluated: 2021-11-13. Review status: criteria provided, single submitter. Criteria: Invitae Variant Classification Sherloc (09022015). Collection method: clinical testing. Allele origin: germline.
Comment: In summary, the available evidence is currently insufficient to determine the role of this variant in disease. Therefore, it has been classified as a Variant of Uncertain Significance. Advanced modeling of protein sequence and biophysical properties (such as structural, functional, and spatial information, amino acid conservation, physicochemical variation, residue mobility, and thermodynamic stability) performed at Invitae indicates that this missense variant is expected to disrupt COL7A1 protein function. This variant has not been reported in the literature in individuals affected with COL7A1-related conditions. This variant is not present in population databases (gnomAD no frequency). This sequence change replaces arginine, which is basic and polar, with proline, which is neutral and non-polar, at codon 2895 of the COL7A1 protein (p.Arg2895Pro).